The following is an entry in ClinVar:

ClinVar aggregate classification (germline): Uncertain significance. Review status: criteria provided, multiple submitters, no conflicts (2 of 4 stars). 2 submissions from 2 submitters: Uncertain significance (2). Last evaluated 2026-07-31.

Conditions:
Juvenile polyposis syndrome (JPS). Identifiers: Orphanet 2929, MedGen C0345893, MONDO:0017380, OMIM 174900.
Hereditary cancer-predisposing syndrome. Also called: Hereditary Cancer Syndrome; Neoplastic Syndromes, Hereditary; Hereditary neoplastic syndrome; Tumor predisposition. Identifiers: Orphanet 140162, MedGen C0027672, MeSH D009386, MONDO:0015356.

Submissions (2):

Ambry Genetics
Classification: Uncertain significance for Hereditary cancer-predisposing syndrome. Last evaluated: 2026-07-31. Review status: criteria provided, single submitter. Criteria: Ambry Variant Classification Scheme 2023. Collection method: clinical testing. Allele origin: germline.
Comment: The p.L157P variant (also known as c.470T>C), located in coding exon 5 of the BMPR1A gene, results from a T to C substitution at nucleotide position 470. The leucine at codon 157 is replaced by proline, an amino acid with similar properties. This amino acid position is highly conserved in available vertebrate species. In addition, this alteration is predicted to be deleterious by in silico analysis. Based on the available evidence, the clinical significance of this variant remains unclear.

Labcorp Genetics (formerly Invitae), Labcorp
Classification: Uncertain significance for Juvenile polyposis syndrome. Last evaluated: 2023-05-31. Review status: criteria provided, single submitter. Criteria: Invitae Variant Classification Sherloc (09022015). Collection method: clinical testing. Allele origin: germline.
Comment: This variant is not present in population databases (gnomAD no frequency). This sequence change replaces leucine, which is neutral and non-polar, with proline, which is neutral and non-polar, at codon 157 of the BMPR1A protein (p.Leu157Pro). This variant has not been reported in the literature in individuals affected with BMPR1A-related conditions. In summary, the available evidence is currently insufficient to determine the role of this variant in disease. Therefore, it has been classified as a Variant of Uncertain Significance. Advanced modeling of protein sequence and biophysical properties (such as structural, functional, and spatial information, amino acid conservation, physicochemical variation, residue mobility, and thermodynamic stability) performed at Invitae indicates that this missense variant is not expected to disrupt BMPR1A protein function. ClinVar contains an entry for this variant (Variation ID: 1391795).

NM_004329.3(BMPR1A):c.470T>C (p.Leu157Pro)

Gene: BMPR1A (bone morphogenetic protein receptor type 1A; plus strand). Cytogenetic location: 10q23.2.
Variant type: single nucleotide variant.
Coding change: c.470T>C on transcript NM_004329.3 (MANE Select); coding-DNA position 470, T replaced by C.
Protein change: p.Leu157Pro; replaces leucine 157 with proline.
Molecular consequence: missense variant.
Genome position (GRCh38, 1-based): chr10:86,900,066, T>C. VCF-style: chr10-86900066-T-C. GRCh37 (hg19) VCF-style: chr10-88659823-T-C.
Other names: c.470T>C (NM_004329.2); short protein forms L157P.
Identifiers: ClinVar variation 1391795 (VCV001391795.9), dbSNP rs751260747, ClinGen allele CA377450350.